The following is an entry in ClinVar:

ClinVar aggregate classification (germline): Likely benign (1 of 4 stars; one submission).

Allele frequency attached by ClinVar (database versions not stated): gnomAD exomes 0.00020 and 0.00006; 1000 Genomes Project 30x 0.00021; ExAC 0.00023; gnomAD 0.00063 and 0.00066; TOPMed 0.00070; ESP Exome Variant Server 0.00123.
gnomAD v4.1: 136 of 1,200,470 alleles (0.011%); highest among the groups gnomAD compares: African/African-American, 0.2%; 1 homozygote.

Submission:

GeneDx
Classification: Likely benign. Last evaluated: 2018-03-06. Review status: criteria provided, single submitter. Criteria: GeneDx Variant Classification (06012015). Collection method: clinical testing. Allele origin: germline. Affected: yes.
Comment: This variant is considered likely benign or benign based on one or more of the following criteria: it is a conservative change, it occurs at a poorly conserved position in the protein, it is predicted to be benign by multiple in silico algorithms, and/or has population frequency not consistent with disease.

NM_001099922.3(ALG13):c.-27G>A

Gene: ALG13 (ALG13 UDP-N-acetylglucosaminyltransferase subunit; plus strand). Cytogenetic location: Xq23.
Variant type: single nucleotide variant.
Coding change: c.-27G>A on transcript NM_001099922.3 (MANE Select); 27 bases upstream of the start codon, G replaced by A.
Molecular consequence: 5 prime UTR variant. On other transcripts: non-coding transcript variant (3).
Genome position (GRCh38, 1-based): chrX:111,681,192, G>A. VCF-style: chrX-111681192-G-A. GRCh37 (hg19) VCF-style: chrX-110924420-G-A.
Other names: c.-27G>A (NM_001039210.5, NM_001168385.3, NM_001324290.2 and 2 more transcripts); c.-235G>A (NM_001257230.2, NM_001324291.2); c.-327G>A (NM_001257231.2, NM_001257241.3); c.-360G>A (NM_001257234.2, NM_001257235.3); c.-464G>A (NM_001257237.2, NM_001257240.3, NM_001324293.1).
Identifiers: ClinVar variation 387669 (VCV000387669.1), dbSNP rs201622950, ClinGen allele CA10493403.